The following is an entry in ClinVar:

NM_017514.5(PLXNA3):c.22C>G (p.Leu8Val)

Gene: PLXNA3 (plexin A3; plus strand). Cytogenetic location: Xq28.
Variant type: single nucleotide variant.
Coding change: c.22C>G on transcript NM_017514.5 (MANE Select); coding-DNA position 22, C replaced by G.
Protein change: p.Leu8Val; replaces leucine 8 with valine.
Molecular consequence: missense variant.
Genome position (GRCh38, 1-based): chrX:154,460,205, C>G. VCF-style: chrX-154460205-C-G. GRCh37 (hg19) VCF-style: chrX-153688545-C-G.
Other names: short protein forms L8V.
Identifiers: ClinVar variation 3772240 (VCV003772240.13).
Genomic context (GRCh38, chrX:154,460,205, plus strand): 5'-GTCTCTCCCTAGGCCTGTCCCCAGGCGCGGCTGCCGGCCATGCCCTCTGTCTGCCTCCTC[C>G]TGCTGCTCTTCCTTGCCGTGGGGGGGGCCCTGGGCAACAGGCCCTTCCGTGCCTTCGTGG-3'
Protein context (NP_059984.3, residues 1-18): MPSVCLL[Leu8Val]LLFLAVGGAL

ClinVar aggregate classification (germline): Uncertain significance (1 of 4 stars; one submission).

Submission:

CeGaT Center for Human Genetics Tuebingen
Classification: Uncertain significance. Last evaluated: 2025-01-01. Review status: criteria provided, single submitter. Criteria: CeGaT Center For Human Genetics Tuebingen Variant Classification Criteria Version 2. Collection method: clinical testing. Allele origin: germline. Affected: yes. Observed: 1 variant allele.
Comment: PLXNA3: PM2, BP4